The following is an entry in ClinVar:

NM_004453.4(ETFDH):c.1375del (p.His459fs)

Gene: ETFDH (electron transfer flavoprotein dehydrogenase; plus strand). Cytogenetic location: 4q32.1.
Variant type: Deletion.
Coding change: c.1375del on transcript NM_004453.4 (MANE Select); coding-DNA position 1375, one base deleted (C; older notation c.1375delC).
Protein change: p.His459fs; shifts the reading frame from histidine 459.
Molecular consequence: frameshift variant.
Genome position (GRCh38, 1-based): chr4:158,706,278, C deleted; the last of 2 consecutive C bases (chr4:158,706,277-158,706,278); deleting either gives the same sequence. VCF-style (leftmost placement, unchanged base first): chr4-158706276-GC-G. GRCh37 (hg19) VCF-style: chr4-159627428-GC-G.
Other names: c.1234del, p.His412fs (NM_001281737.2); c.1192del, p.His398fs (NM_001281738.1); short protein forms H412fs, H459fs, H398fs.
Identifiers: ClinVar variation 935564 (VCV000935564.8), dbSNP rs1774610957, ClinGen allele CA1139658689.

ClinVar aggregate classification (germline): Pathogenic (1 of 4 stars; one submission).

Conditions:
Multiple acyl-CoA dehydrogenase deficiency (MADD). Also called: Glutaric acidemia type II; GA 2; Glutaric Acidemia type 2; Glutaric aciduria, type 2; ETHYLMALONIC-ADIPICACIDURIA; GA II. Identifiers: Orphanet 26791, MedGen C0268596, MONDO:0009282, OMIM 231680.

Submission:

Labcorp Genetics (formerly Invitae), Labcorp
Classification: Pathogenic for Multiple acyl-CoA dehydrogenase deficiency. Last evaluated: 2022-10-05. Review status: criteria provided, single submitter. Criteria: Invitae Variant Classification Sherloc (09022015). Collection method: clinical testing. Allele origin: germline.
Comment: This variant has not been reported in the literature in individuals affected with ETFDH-related conditions. For these reasons, this variant has been classified as Pathogenic. ClinVar contains an entry for this variant (Variation ID: 935564). This variant is not present in population databases (gnomAD no frequency). This sequence change creates a premature translational stop signal (p.His459Thrfs*10) in the ETFDH gene. It is expected to result in an absent or disrupted protein product. Loss-of-function variants in ETFDH are known to be pathogenic (PMID: 16510302, 23785301).

Literature cited by the submitters: PubMed 16510302; PubMed 23785301.